The following is an entry in ClinVar:

ClinVar aggregate classification (germline): Uncertain significance (1 of 4 stars; one submission).

gnomAD v4.1: 20 of 1,611,540 alleles (0.0012%); highest among the groups gnomAD compares: South Asian, 0.0033%; no homozygotes.

Submission:

Labcorp Genetics (formerly Invitae), Labcorp
Classification: Uncertain significance. Last evaluated: 2024-09-01. Review status: criteria provided, single submitter. Criteria: Invitae Variant Classification Sherloc (09022015). Collection method: clinical testing. Allele origin: germline.
Comment: This sequence change replaces arginine, which is basic and polar, with glutamine, which is neutral and polar, at codon 251 of the IRF4 protein (p.Arg251Gln). This variant is present in population databases (rs199834880, gnomAD 0.01%). This variant has not been reported in the literature in individuals affected with IRF4-related conditions. An algorithm developed to predict the effect of missense changes on protein structure and function (PolyPhen-2) suggests that this variant is likely to be tolerated. In summary, the available evidence is currently insufficient to determine the role of this variant in disease. Therefore, it has been classified as a Variant of Uncertain Significance.

NM_002460.4(IRF4):c.752G>A (p.Arg251Gln)

Gene: IRF4 (interferon regulatory factor 4; plus strand). Cytogenetic location: 6p25.3.
Variant type: single nucleotide variant.
Coding change: c.752G>A on transcript NM_002460.4 (MANE Select); coding-DNA position 752, G replaced by A.
Protein change: p.Arg251Gln; replaces arginine 251 with glutamine.
Molecular consequence: missense variant. On other transcripts: non-coding transcript variant (1).
Genome position (GRCh38, 1-based): chr6:401,430, G>A. VCF-style: chr6-401430-G-A. GRCh37 (hg19) VCF-style: chr6-401430-G-A.
Other names: c.749G>A, p.Arg250Gln (NM_001195286.2); short protein forms R250Q, R251Q.
Identifiers: ClinVar variation 3674049 (VCV003674049.2).
Genomic context (GRCh38, chr6:401,430, plus strand): 5'-CTCGAGGTGGTGTCCTTGGCCCCCAGCACTGACTCCGGAGCTCTGTGTTTGCAGACTGCC[G>A]GCTGCACATCTGCCTGTACTACCGGGAAATCCTCGTGAAGGAGCTGACCACGTCCAGCCC-3'
Protein context (NP_002451.2, residues 241-261): SAEALAFSDC[Arg251Gln]LHICLYYREI